The following is an entry in ClinVar:

NM_053013.4(ENO3):c.382dup (p.Val128fs)

Gene: ENO3 (enolase 3; plus strand). Cytogenetic location: 17p13.2.
Variant type: Duplication.
Coding change: c.382dup on transcript NM_053013.4 (MANE Select); coding-DNA position 382, one base duplicated (G; older notation c.382dupG).
Protein change: p.Val128fs; shifts the reading frame from valine 128.
Molecular consequence: frameshift variant.
Genome position (GRCh38, 1-based): chr17:4,953,783, G duplicated; the last of 5 consecutive G bases (chr17:4,953,779-4,953,783); duplicating any one gives the same sequence. VCF-style (leftmost placement, unchanged base first): chr17-4953778-A-AG. GRCh37 (hg19) VCF-style: chr17-4857073-A-AG.
Other names: c.253dup, p.Val85fs (NM_001193503.2); c.382dup, p.Val128fs (NM_001374523.1, NM_001976.5); c.409dup, p.Val137fs (NM_001374524.1); short protein forms V85fs, V137fs, V128fs.
Identifiers: ClinVar variation 1940655 (VCV001940655.5), dbSNP rs2507709850, ClinGen allele CA2576136577.

ClinVar aggregate classification (germline): Uncertain significance (1 of 4 stars; one submission).

Conditions:
Glycogen storage disease due to muscle beta-enolase deficiency (GSD13). Also called: ENOLASE 3 DEFICIENCY; ENOLASE-BETA DEFICIENCY; GSD XIII; Glycogen Storage Disease Type XIII. Identifiers: Orphanet 99849, MedGen C2752027, MONDO:0013046, OMIM 612932.

Submission:

Labcorp Genetics (formerly Invitae), Labcorp
Classification: Uncertain significance for Glycogen storage disease due to muscle beta-enolase deficiency. Last evaluated: 2022-02-08. Review status: criteria provided, single submitter. Criteria: Invitae Variant Classification Sherloc (09022015). Collection method: clinical testing. Allele origin: germline.
Comment: In summary, the available evidence is currently insufficient to determine the role of this variant in disease. Therefore, it has been classified as a Variant of Uncertain Significance. This variant has not been reported in the literature in individuals affected with ENO3-related conditions. This variant is not present in population databases (gnomAD no frequency). This sequence change creates a premature translational stop signal (p.Val128Glyfs*15) in the ENO3 gene. It is expected to result in an absent or disrupted protein product. However, the current clinical and genetic evidence is not sufficient to establish whether loss-of-function variants in ENO3 cause disease.